The following is an entry in ClinVar:

ClinVar aggregate classification (germline): Likely benign. Review status: criteria provided, multiple submitters, no conflicts (2 of 4 stars). 3 submissions from 3 submitters: Likely benign (2). 1 of the submissions does not count toward it. Last evaluated 2025-12-23.

Conditions:
DSG1-related disorder. Also called: DSG1-related condition.

Allele frequency attached by ClinVar (database versions not stated): gnomAD 0.00023 and 0.00025; ESP Exome Variant Server 0.00046.

Submissions (3):

Labcorp Genetics (formerly Invitae), Labcorp
Classification: Likely benign. Last evaluated: 2025-12-23. Review status: criteria provided, single submitter. Criteria: Invitae Variant Classification Sherloc (09022015). Collection method: clinical testing. Allele origin: germline.

Blueprint Genetics
Classification: Likely benign. Last evaluated: 2024-07-09. Review status: criteria provided, single submitter. Criteria: ACMG Guidelines, 2015. Collection method: clinical testing. Allele origin: germline.

PreventionGenetics, part of Exact Sciences
Classification: Likely benign for DSG1-related condition. Last evaluated: 2019-06-12. Review status: no assertion criteria provided. Collection method: clinical testing. Allele origin: germline. Not counted in ClinVar's aggregate classification.
Comment: This variant is classified as likely benign based on ACMG/AMP sequence variant interpretation guidelines (Richards et al. 2015 PMID: 25741868, with internal and published modifications).

NM_001942.4(DSG1):c.2913C>T (p.Ser971=)

Genes: DSG1 (desmoglein 1; plus strand), DSG1-AS1 (DSG1 antisense RNA 1; minus strand). Cytogenetic location: 18q12.1.
Variant type: single nucleotide variant.
Coding change: c.2913C>T on transcript NM_001942.4 (MANE Select); coding-DNA position 2913, C replaced by T.
Protein change: p.Ser971=; no amino-acid change (serine 971 retained).
Molecular consequence: synonymous variant.
Genome position (GRCh38, 1-based): chr18:31,355,109, C>T. VCF-style: chr18-31355109-C-T. GRCh37 (hg19) VCF-style: chr18-28935072-C-T.
Other names: c.2913C>T (NM_001942.3).
Identifiers: ClinVar variation 1597525 (VCV001597525.11), dbSNP rs149031937, ClinGen allele CA8926471.